The following is an entry in ClinVar:

ClinVar aggregate classification (germline): Uncertain significance (1 of 4 stars; one submission).

Conditions:
Ehlers-Danlos syndrome, classic type, 2 (EDSCL2). Also called: Ehlers-Danlos syndrome, type 2; Ehlers-Danlos syndrome type 2 (formerly); Ehlers-Danlos Syndrome, Classic Type, COL5A2-Related. Identifiers: Orphanet 287, Orphanet 90318, MedGen C0268336, MONDO:0019568, OMIM 130010.

gnomAD v4.1: 1 of 1,614,182 alleles (0.000062%); highest among the groups gnomAD compares: Non-Finnish European, 0.000085%; no homozygotes.

Submission:

Centre for Mendelian Genomics, University Medical Centre Ljubljana
Classification: Uncertain significance for Ehlers-Danlos syndrome, classic type, 2. Last evaluated: 2019-08-20. Review status: criteria provided, single submitter. Criteria: ACMG Guidelines, 2015. Collection method: clinical testing. Allele origin: unknown. Affected: yes.
Comment: This variant was classified as: Uncertain significance. The available evidence favors the pathogenic nature of this variant, however the currently available data is insufficient to conclusively support its pathogenic nature. Thus this variant is classified as Uncertain significance - favor pathogenic. The following ACMG criteria were applied in classifying this variant: BP4.

NM_000093.5(COL5A1):c.868C>G (p.Pro290Ala)

Gene: COL5A1 (collagen type V alpha 1 chain; plus strand). Cytogenetic location: 9q34.3.
Variant type: single nucleotide variant.
Coding change: c.868C>G on transcript NM_000093.5 (MANE Select); coding-DNA position 868, C replaced by G.
Protein change: p.Pro290Ala; replaces proline 290 with alanine.
Molecular consequence: missense variant.
Genome position (GRCh38, 1-based): chr9:134,728,751, C>G. VCF-style: chr9-134728751-C-G. GRCh37 (hg19) VCF-style: chr9-137620597-C-G.
Other names: c.868C>G, p.Pro290Ala (NM_001278074.1); short protein forms P290A.
Identifiers: ClinVar variation 930585 (VCV000930585.3), dbSNP rs754640324, ClinGen allele CA5318562.